The following is an entry in ClinVar:

ClinVar aggregate classification (germline): Likely benign. Review status: criteria provided, multiple submitters, no conflicts (2 of 4 stars). 2 submissions from 2 submitters: Likely benign (2). Last evaluated 2018-06-19.

Allele frequency attached by ClinVar (database versions not stated): ESP Exome Variant Server 0.00315; gnomAD 0.00322 and 0.00397; TOPMed 0.00356; gnomAD exomes 0.00609 and 0.00777; 1000 Genomes Project 30x 0.00640; 1000 Genomes Project 0.00739; ExAC 0.00829.
gnomAD v4.1: 9,629 of 1,613,304 alleles (0.6%); highest among the groups gnomAD compares: South Asian, 2.9%; 114 homozygotes.

Submissions (2):

GeneDx
Classification: Likely benign. Last evaluated: 2018-06-19. Review status: criteria provided, single submitter. Criteria: GeneDx Variant Classification (06012015). Collection method: clinical testing. Allele origin: germline. Affected: yes.
Comment: This variant is considered likely benign or benign based on one or more of the following criteria: it is a conservative change, it occurs at a poorly conserved position in the protein, it is predicted to be benign by multiple in silico algorithms, and/or has population frequency not consistent with disease.

Breakthrough Genomics
Classification: Likely benign. Review status: criteria provided, single submitter. Criteria: ACMG Guidelines, 2015. Collection method: not provided. Allele origin: germline. Inheritance: Autosomal recessive inheritance. Affected: yes.

NM_024809.5(TCTN2):c.1770-48A>C

Gene: TCTN2 (tectonic family member 2; plus strand). Cytogenetic location: 12q24.31.
Variant type: single nucleotide variant.
Coding change: c.1770-48A>C on transcript NM_024809.5 (MANE Select); 48 bases into the intron before coding-DNA position 1770, A replaced by C.
Molecular consequence: intron variant.
Genome position (GRCh38, 1-based): chr12:123,706,678, A>C. VCF-style: chr12-123706678-A-C. GRCh37 (hg19) VCF-style: chr12-124191225-A-C.
Other names: c.1767-48A>C (NM_001143850.3).
Identifiers: ClinVar variation 672712 (VCV000672712.2), dbSNP rs143704990, ClinGen allele CA6861340.